The following is an entry in ClinVar:

ClinVar aggregate classification (germline): Uncertain significance (1 of 4 stars; one submission).

Submission:

Women's Health and Genetics/Laboratory Corporation of America, LabCorp
Classification: Uncertain significance. Last evaluated: 2026-03-02. Review status: criteria provided, single submitter. Criteria: LabCorp Variant Classification Summary - May 2015. Collection method: clinical testing. Allele origin: germline.
Comment: Variant summary: LAMA1 c.1038_1040delGAA (p.Lys347del) results in an in-frame deletion that is predicted to remove one amino acid from the encoded protein. The variant was absent in 251322 control chromosomes. The available data on variant occurrences in the general population are insufficient to allow any conclusion about variant significance. To our knowledge, no occurrence of c.1038_1040delGAA in individuals affected with LAMA1-related conditions and no experimental evidence demonstrating its impact on protein function have been reported. No submitters have cited clinical-significance assessments for this variant to ClinVar. Based on the evidence outlined above, the variant was classified as uncertain significance.

NM_005559.4(LAMA1):c.1035GAA[1] (p.Lys347del)

Gene: LAMA1 (laminin subunit alpha 1; minus strand). Cytogenetic location: 18p11.31.
Variant type: Microsatellite.
Coding change: c.1035GAA[1] on transcript NM_005559.4 (MANE Select); one copy of the 3-base unit GAA starting at c.1035; the reference has two copies in a row; one copy, 3 bases deleted.
Protein change: p.Lys347del; deletes lysine 347.
Genome position (GRCh38, 1-based): chr18:7,043,342-7,043,344, TTC deleted on the plus strand (GAA on the coding strand, the reverse complement: LAMA1 is on the minus strand); deleting any 3 consecutive bases within chr18:7,043,342-7,043,348 gives the same sequence; the position shown is the placement nearest the transcript's 3' end. VCF-style (leftmost placement, unchanged base first): chr18-7043341-TTTC-T. GRCh37 (hg19) VCF-style: chr18-7043340-TTTC-T.
Other names: c.1038_1040delGAA (NM_005559.4); short protein forms K347del.
Identifiers: ClinVar variation 4847566 (VCV004847566.1).
Genomic context (GRCh38, chr18:7,043,341, plus strand): 5'-GTTCTGCAAGCAATTTATGCAAACCCCTCCTCCTCTGAACTGTCCAGCAGTATTCAAACT[TTTC>T]TTCTGCTTTGCAACACTTTCATCATAGTAACAGTCTTTGGCTTTATTGTGACAATTACAT-3'